The following is an entry in ClinVar:

ClinVar aggregate classification (germline): Pathogenic. Review status: criteria provided, multiple submitters, no conflicts (2 of 4 stars). 2 submissions from 2 submitters: Pathogenic (2). Last evaluated 2020-11-23.

Conditions:
Von Hippel-Lindau syndrome (VHLS). Also called: Von Hippel-Lindau; VHL syndrome; von Hippel–Lindau syndrome. Identifiers: Orphanet 892, MedGen C0019562, MONDO:0008667, OMIM 193300. Disease mechanism: loss of function.
Chuvash polycythemia. Also called: POLYCYTHEMIA, VHL-DEPENDENT. Identifiers: Orphanet 238557, MedGen C1837915, MONDO:0009892, OMIM 263400.

Submissions (2):

Labcorp Genetics (formerly Invitae), Labcorp
Classification: Pathogenic for Von Hippel-Lindau syndrome; Chuvash polycythemia. Last evaluated: 2020-11-23. Review status: criteria provided, single submitter. Criteria: Invitae Variant Classification Sherloc (09022015). Collection method: clinical testing. Allele origin: germline.
Comment: For these reasons, this variant has been classified as Pathogenic. This variant disrupts the p.Ser111 amino acid residue in VHL. Other variant(s) that disrupt this residue have been determined to be pathogenic (PMID: 12202531, 12807974, 22071692). This suggests that this residue is clinically significant, and that variants that disrupt this residue are likely to be disease-causing. This variant has been reported to affect VHL protein function (PMID: 21258414). This variant has been observed in individual(s) with clinical features of von Hippel Lindau syndrome (PMID: 19293973, 9209471, Invitae). In at least one individual the variant was observed to be de novo. The variant is also known as 554A>G in the literature. ClinVar contains an entry for this variant (Variation ID: 633016). This variant is not present in population databases (ExAC no frequency). This sequence change replaces serine with glycine at codon 111 of the VHL protein (p.Ser111Gly). The serine residue is moderately conserved and there is a small physicochemical difference between serine and glycine.

Women's Health and Genetics/Laboratory Corporation of America, LabCorp
Classification: Pathogenic for Von Hippel-Lindau syndrome. Last evaluated: 2018-10-19. Review status: criteria provided, single submitter. Criteria: LabCorp Variant Classification Summary - May 2015. Collection method: clinical testing. Allele origin: germline.
Comment: Variant summary: VHL c.331A>G (p.Ser111Gly) results in a non-conservative amino acid change located in the von Hippel-Lindau disease tumour suppressor, beta domain of the encoded protein sequence. Four of five in-silico tools predict a damaging effect of the variant on protein function. The variant was absent in 217656 control chromosomes (gnomAD and publication). c.331A>G has been reported in the literature in multiple individuals affected with Von Hippel-Lindau Syndrome (Whaley_1994, Bradley_2009, Young_2009). These data indicate that the variant is very likely to be associated with disease. At least one publication reports experimental evidence evaluating an impact on protein function. The most pronounced variant effect results in 30%-50% of normal activity (Domene_2012, Perier_2011). No clinical diagnostic laboratories have submitted clinical-significance assessments for this variant to ClinVar after 2014. Although, additional variants affecting the same codon, p.S111R, p.S111C, S111N, and S111I, have been reported in HGMD and ClinVar as pathogenic, therefore, suggesting a mutational hot spot. Based on the evidence outlined above, the variant was classified as pathogenic.

Literature cited by the submitters: PubMed 12202531 (cited by Labcorp Genetics (formerly Invitae), Labcorp); PubMed 12807974 (cited by Labcorp Genetics (formerly Invitae), Labcorp); PubMed 22071692 (cited by Labcorp Genetics (formerly Invitae), Labcorp); PubMed 21258414 (cited by Labcorp Genetics (formerly Invitae), Labcorp and Women's Health and Genetics/Laboratory Corporation of America, LabCorp); PubMed 19293973 (cited by Labcorp Genetics (formerly Invitae), Labcorp and Women's Health and Genetics/Laboratory Corporation of America, LabCorp); PubMed 9209471 (cited by Labcorp Genetics (formerly Invitae), Labcorp and Women's Health and Genetics/Laboratory Corporation of America, LabCorp); PubMed 22105711 (cited by Women's Health and Genetics/Laboratory Corporation of America, LabCorp); PubMed 19996202 (cited by Women's Health and Genetics/Laboratory Corporation of America, LabCorp); PubMed 7977367 (cited by Women's Health and Genetics/Laboratory Corporation of America, LabCorp); PubMed 28379443 (cited by Women's Health and Genetics/Laboratory Corporation of America, LabCorp).

NM_000551.4(VHL):c.331A>G (p.Ser111Gly)

Gene: VHL (von Hippel-Lindau tumor suppressor; plus strand). Cytogenetic location: 3p25.3.
Variant type: single nucleotide variant.
Coding change: c.331A>G on transcript NM_000551.4 (MANE Select); coding-DNA position 331, A replaced by G.
Protein change: p.Ser111Gly; replaces serine 111 with glycine.
Molecular consequence: missense variant.
Genome position (GRCh38, 1-based): chr3:10,142,178, A>G. VCF-style: chr3-10142178-A-G. GRCh37 (hg19) VCF-style: chr3-10183862-A-G.
Other names: c.331A>G, p.Ser111Gly (NM_001354723.2, NM_198156.3); short protein forms S111G.
Identifiers: ClinVar variation 633016 (VCV000633016.11), dbSNP rs1559426203, ClinGen allele CA351751321.
Genomic context (GRCh38, chr3:10,142,178, plus strand): 5'-TTCGACGGCGAGCCGCAGCCCTACCCAACGCTGCCGCCTGGCACGGGCCGCCGCATCCAC[A>G]GCTACCGAGGTACGGGCCCGGCGCTTAGGCCCGACCCAGCAGGGACGATAGCACGGTCTG-3'
Protein context (NP_000542.1, residues 101-121): LPPGTGRRIH[Ser111Gly]YRGHLWLFRD